The following is an entry in ClinVar:

NM_001127511.3(APC):c.-107G>A

Gene: APC (APC regulator of Wnt signaling pathway; plus strand). Cytogenetic location: 5q22.2.
Variant type: single nucleotide variant.
Coding change: c.-107G>A on transcript NM_001127511.3; 107 bases upstream of the start codon, G replaced by A.
Molecular consequence: 5 prime UTR variant. On other transcripts: non-coding transcript variant (2).
Genome position (GRCh38, 1-based): chr5:112,707,611, G>A. VCF-style: chr5-112707611-G-A. GRCh37 (hg19) VCF-style: chr5-112043308-G-A.
Other names: c.-290G>A (NM_001407456.1, NM_001407460.1, NM_001407469.1 and 3 more transcripts); c.-57G>A (NM_001407457.1, NM_001407458.1, NM_001407448.1 and 1 more transcripts); c.-1325G>A (NM_001407470.1, NM_001407472.1); c.-107G>A (NM_001354897.2, NM_001354902.2, NM_001407446.1); c.-81G>A (NM_001407453.1).
Identifiers: ClinVar variation 1488038 (VCV001488038.6), dbSNP rs1750588455, ClinGen allele CA1573442540.

ClinVar aggregate classification (germline): Uncertain significance (1 of 4 stars; one submission).

Conditions:
Familial adenomatous polyposis 1 (FAP1). Also called: FAMILIAL ADENOMATOUS POLYPOSIS 1, ATTENUATED; POLYPOSIS, ADENOMATOUS INTESTINAL. Identifiers: MedGen C2713442, MONDO:0021056, OMIM 175100. Disease mechanism: loss of function.

Allele frequency attached by ClinVar (database versions not stated): TOPMed below 0.00001.
gnomAD v4.1: 1 of 1,225,798 alleles (0.000082%); no homozygotes.

Submission:

Labcorp Genetics (formerly Invitae), Labcorp
Classification: Uncertain significance for Familial adenomatous polyposis 1. Last evaluated: 2024-11-06. Review status: criteria provided, single submitter. Criteria: Invitae Variant Classification Sherloc (09022015). Collection method: clinical testing. Allele origin: germline.
Comment: This variant occurs in a non-coding region of the APC gene. It does not change the encoded amino acid sequence of the APC protein. This variant is not present in population databases (gnomAD no frequency). This variant has not been reported in the literature in individuals affected with APC-related conditions. Experimental studies and prediction algorithms are not available or were not evaluated, and the functional significance of this variant is currently unknown. In summary, the available evidence is currently insufficient to determine the role of this variant in disease. Therefore, it has been classified as a Variant of Uncertain Significance.